The following continues an entry in ClinVar:

NM_001005242.3(PKP2):c.2377del (p.Ser793fs)

Gene: PKP2. ClinVar aggregate classification (germline): Pathogenic/Likely pathogenic. Pathogenic (14); Likely pathogenic (2).

Submissions 9 to 16 of 16:

All of Us Research Program, National Institutes of Health
Classification: Pathogenic for Arrhythmogenic right ventricular cardiomyopathy. Last evaluated: 2023-07-19. Review status: criteria provided, single submitter. Criteria: ACMG Guidelines, 2015. Collection method: clinical testing. Allele origin: germline. Inheritance: Autosomal dominant inheritance. Observed: 2 variant alleles, 2 heterozygotes.
Comment: This variant deletes 1 nucleotide in exon 13 of the PKP2 gene, creating a frameshift in the last exon. This mutant transcript is expected to escape nonsense-mediated decay and be expressed as a protein product containing altered C-terminal sequence. To our knowledge, functional studies have not been reported for this variant. This variant has been reported to segregate with arrhythmogenic right ventricular cardiomyopathy in multiple families (PMID: 16893920, 17010805). This variant has been reported in over 10 unrelated individuals affected with arrhythmogenic right ventricular cardiomyopathy (PMID: 15489853, 16549640, 19880068, 20031617, 20152563, 21606396, 23871674, 24585727 ). This variant has not been identified in the general population by the Genome Aggregation Database (gnomAD). Loss of PKP2 function is a known mechanism of disease. Based on the available evidence, this variant is classified as Pathogenic.

This study involves interpretation of variants in research participants for the purpose of population health screening. Participant phenotype was not available at the time of variant classification. Additional details can be found in publication PMID: 35346344, PMCID: PMC8962531

Blueprint Genetics
Classification: Pathogenic for PKP2-related disorders. Last evaluated: 2023-02-14. Review status: criteria provided, single submitter. Criteria: ACMG Guidelines, 2015. Collection method: clinical testing. Allele origin: germline. Affected: yes. Observed: 5 variant alleles.

Molecular Diagnostic Laboratory for Inherited Cardiovascular Disease, Montreal Heart Institute
Classification: Pathogenic for Cardiovascular phenotype. Last evaluated: 2023-02-09. Review status: criteria provided, single submitter. Criteria: ACMG Guidelines, 2015. Collection method: clinical testing. Allele origin: germline. Affected: yes.

Color Diagnostics, LLC DBA Color Health
Classification: Pathogenic for Cardiomyopathy. Last evaluated: 2022-11-17. Review status: criteria provided, single submitter. Criteria: ACMG Guidelines, 2015. Collection method: clinical testing. Allele origin: germline.
Comment: This variant deletes 1 nucleotide in exon 13 of the PKP2 gene, creating a frameshift in the last exon. This mutant transcript is expected to escape nonsense-mediated decay and be expressed as a protein product containing altered C-terminal sequence. This variant has been reported in over 10 unrelated individuals affected with arrhythmogenic right ventricular cardiomyopathy (PMID: 15489853, 16549640, 19880068, 20031617, 20152563, 21606396, 23871674, 24585727) and has been shown to segregate with disease in multiple families (PMID: 16893920, 17010805). This variant has not been identified in the general population by the Genome Aggregation Database (gnomAD). Loss of PKP2 function is a known mechanism of disease. Based on the available evidence, this variant is classified as Pathogenic.

Women's Health and Genetics/Laboratory Corporation of America, LabCorp
Classification: Pathogenic for Familial isolated arrhythmogenic right ventricular dysplasia. Last evaluated: 2022-11-14. Review status: criteria provided, single submitter. Criteria: LabCorp Variant Classification Summary - May 2015. Collection method: clinical testing. Allele origin: germline.
Comment: Variant summary: PKP2 c.2509delA (p.Ser837ValfsX94) causes a frameshift which results in an extension of the protein. The variant was absent in 251916 control chromosomes. c.2509delA has been reported in the literature in multiple individuals affected with Arrhythmogenic Right Ventricular Dysplasia/Cardiomyopathy (example, Gerull_2004, Dalal_2006, den Haan_2009, Dalal_2006, Antoniades_2006, Asimaki_2009). These data indicate that the variant is very likely to be associated with disease. To our knowledge, no experimental evidence demonstrating an impact on protein function has been reported. Eight clinical diagnostic laboratories have submitted clinical-significance assessments for this variant to ClinVar after 2014 without evidence for independent evaluation. All laboratories classified the variant as pathogenic/likely pathogenic. Based on the evidence outlined above, the variant was classified as pathogenic.

CHEO Genetics Diagnostic Laboratory, Children's Hospital of Eastern Ontario
Classification: Pathogenic for Cardiomyopathy. Last evaluated: 2021-06-18. Review status: criteria provided, single submitter. Criteria: ACMG Guidelines, 2015. Collection method: clinical testing. Allele origin: germline.

Center for Advanced Laboratory Medicine, UC San Diego Health, University of California San Diego
Classification: Pathogenic for Ventricular tachycardia. Last evaluated: 2018-09-15. Review status: criteria provided, single submitter. Criteria: ACMG Guidelines, 2015. Collection method: clinical testing. Allele origin: germline. Affected: yes. Observed: 1 variant allele.

Laboratory for Molecular Medicine, Mass General Brigham Personalized Medicine
Classification: Likely pathogenic for Arrhythmogenic right ventricular cardiomyopathy. Last evaluated: 2017-07-21. Review status: criteria provided, single submitter. Criteria: LMM Criteria. Collection method: clinical testing. Allele origin: germline. Inheritance: Autosomal dominant inheritance. Observed: 7 variant alleles.
Comment: The p.Ser837fs variant in PKP2 has been reported in >10 individuals with clinica l features of ARVC (Gerull 2004, Dalal 2006, Dalal 2006, Dalal 2009, Xu 2010, An toniades 2006, Fressart 2009, Barahona-Dussault 2010, Den Haan 2009, Watkins 200 9, Tan, 2010, Cox 2011, Baskin 2013) and was absent from large population studie s. It has also been reported by other clinical laboratories in ClinVar (Variatio n ID 177995). This variant causes a frameshift, which is predicted to replace th e last 45 amino acid residues of the protein with 93 aberrant residues. This alt eration is predicted to lead to an elongated protein with a termination codon th at is 94 amino acids downstream of the frameshift. In summary, although addition al functional studies are required to fully establish its clinical significance, the p.Ser837fs variant is likely pathogenic. ACMG/AMP Criteria applied: PM2, PS 4_M, PM4 (Richards 2015).

Literature cited by the submitters: PubMed 15489853 (cited by 7 submitters); PubMed 16549640 (cited by 7 submitters); PubMed 16893920 (cited by 7 submitters); PubMed 17010805 (cited by 8 submitters); PubMed 19880068 (cited by 7 submitters); PubMed 20031617 (cited by 7 submitters); PubMed 20152563 (cited by 7 submitters); PubMed 21606396 (cited by 6 submitters); PubMed 23871674 (cited by 5 submitters); PubMed 24585727 (cited by 6 submitters); PubMed 23183494 (cited by Victorian Clinical Genetics Services, Murdoch Childrens Research Institute); PubMed 25820315 (cited by Victorian Clinical Genetics Services, Murdoch Childrens Research Institute); PubMed 30562116 (cited by Victorian Clinical Genetics Services, Murdoch Childrens Research Institute); PubMed 31319917 (cited by Victorian Clinical Genetics Services, Murdoch Childrens Research Institute); PubMed 35059364 (cited by Victorian Clinical Genetics Services, Murdoch Childrens Research Institute); PubMed 38050058 (cited by Victorian Clinical Genetics Services, Murdoch Childrens Research Institute); PubMed 19358943 (cited by 3 submitters); PubMed 19427443 (cited by Ambry Genetics); PubMed 19863551 (cited by 3 submitters); PubMed 20400443 (cited by Ambry Genetics and Laboratory for Molecular Medicine, Mass General Brigham Personalized Medicine); PubMed 22781308 (cited by Ambry Genetics); PubMed 23812740 (cited by Ambry Genetics and Laboratory for Molecular Medicine, Mass General Brigham Personalized Medicine); PubMed 29997227 (cited by Ambry Genetics); PubMed 30764827 (cited by Ambry Genetics); PubMed 30790397 (cited by Ambry Genetics); PubMed 16101641 (cited by Women's Health and Genetics/Laboratory Corporation of America, LabCorp); PubMed 19279339 (cited by Women's Health and Genetics/Laboratory Corporation of America, LabCorp and Laboratory for Molecular Medicine, Mass General Brigham Personalized Medicine); PubMed 20857253 (cited by Laboratory for Molecular Medicine, Mass General Brigham Personalized Medicine).